The following is an entry in ClinVar:

NM_001329943.3(KIAA0586):c.3968A>G (p.Gln1323Arg)

Gene: KIAA0586 (KIAA0586; plus strand). Cytogenetic location: 14q23.1.
Variant type: single nucleotide variant.
Coding change: c.3968A>G on transcript NM_001329943.3 (MANE Select); coding-DNA position 3968, A replaced by G.
Protein change: p.Gln1323Arg; replaces glutamine 1323 with arginine.
Molecular consequence: missense variant. On other transcripts: intron variant (1).
Genome position (GRCh38, 1-based): chr14:58,492,253, A>G. VCF-style: chr14-58492253-A-G. GRCh37 (hg19) VCF-style: chr14-58958971-A-G.
Other names: c.3968A>G, p.Gln1323Arg (NM_001329946.2, NM_001329944.2); c.3713A>G, p.Gln1238Arg (NM_001364700.1, NM_001364701.2, NM_001244191.2 and 1 more transcripts); c.3740A>G, p.Gln1247Arg (NM_014749.5); c.3858+2013A>G (NM_001329947.2); c.4127A>G, p.Gln1376Arg (NM_001244189.2); c.3923A>G, p.Gln1308Arg (NM_001244190.2); c.3836A>G, p.Gln1279Arg (NM_001244192.2); c.3548A>G, p.Gln1183Arg (NM_001244193.2); short protein forms Q1183R, Q1308R, Q1247R, Q1279R, Q1323R, Q1376R, Q1238R.
Identifiers: ClinVar variation 1947727 (VCV001947727.5), dbSNP rs1286917303, ClinGen allele CA389884768.

ClinVar aggregate classification (germline): Uncertain significance (1 of 4 stars; one submission).

Conditions:
Joubert syndrome 23 (JBTS23). Identifiers: Orphanet 475, MedGen C4084822, MONDO:0014664, OMIM 616490.
Short-rib thoracic dysplasia 14 with polydactyly (SRTD14). Identifiers: Orphanet 397715, MedGen C4225286, MONDO:0014688, OMIM 616546.

Allele frequency attached by ClinVar (database versions not stated): gnomAD exomes below 0.00001; TOPMed below 0.00001; gnomAD 0.00001.
gnomAD v4.1: 5 of 1,550,970 alleles (0.00032%); highest among the groups gnomAD compares: African/African-American, 0.0055%; no homozygotes.

Submission:

Labcorp Genetics (formerly Invitae), Labcorp
Classification: Uncertain significance for Joubert syndrome 23; Short-rib thoracic dysplasia 14 with polydactyly. Last evaluated: 2023-12-07. Review status: criteria provided, single submitter. Criteria: Invitae Variant Classification Sherloc (09022015). Collection method: clinical testing. Allele origin: germline.
Comment: This sequence change replaces glutamine, which is neutral and polar, with arginine, which is basic and polar, at codon 1376 of the KIAA0586 protein (p.Gln1376Arg). This variant is not present in population databases (gnomAD no frequency). This variant has not been reported in the literature in individuals affected with KIAA0586-related conditions. ClinVar contains an entry for this variant (Variation ID: 1947727). Advanced modeling of protein sequence and biophysical properties (such as structural, functional, and spatial information, amino acid conservation, physicochemical variation, residue mobility, and thermodynamic stability) has been performed at Invitae for this missense variant, however the output from this modeling did not meet the statistical confidence thresholds required to predict the impact of this variant on KIAA0586 protein function. In summary, the available evidence is currently insufficient to determine the role of this variant in disease. Therefore, it has been classified as a Variant of Uncertain Significance.